The following is an entry in ClinVar:

ClinVar aggregate classification (germline): Pathogenic (0 of 4 stars; one submission).

Conditions:
Fraser syndrome 2 (FRASRS2). Identifiers: MedGen C4540036, MONDO:0054738, OMIM 617666.

Submission:

Medical Research Center, Medical College, Shaoxing University
Classification: Pathogenic for Fraser syndrome 2. Last evaluated: 2025-05-23. Review status: no assertion criteria provided. Collection method: clinical testing. Allele origin: maternal. Affected: yes.
Comment: The Leu1970ValfsTer33 variant in FREM2 has not been reported. This is a new discovery. According to the analysis, this mutation belongs to a frameshift mutation, which would lead to premature termination of the encoded protein sequence. In summary, the Leu1970ValfsTer33 variant meets our criteria to be classified as pathogenic.

NM_207361.6(FREM2):c.5908_5909del (p.Leu1970fs)

Gene: FREM2 (FRAS1 related extracellular matrix 2; plus strand). Cytogenetic location: 13q13.3.
Variant type: Deletion.
Coding change: c.5908_5909del on transcript NM_207361.6 (MANE Select); coding-DNA positions 5908 to 5909, 2 bases deleted (TT; older notation c.5908_5909delTT).
Protein change: p.Leu1970fs; shifts the reading frame from leucine 1970.
Molecular consequence: frameshift variant.
Genome position (GRCh38, 1-based): chr13:38,784,697-38,784,698, TT deleted; deleting any 2 consecutive bases within chr13:38,784,696-38,784,698 gives the same sequence; the c. name uses the placement nearest the transcript's 3' end. VCF-style (leftmost placement, unchanged base first): chr13-38784695-CTT-C. GRCh37 (hg19) VCF-style: chr13-39358832-CTT-C.
Other names: short protein forms L1970fs.
Identifiers: ClinVar variation 4073523 (VCV004073523.1).